The following is an entry in ClinVar:

ClinVar aggregate classification (germline): Uncertain significance. Review status: criteria provided, multiple submitters, no conflicts (2 of 4 stars). 2 submissions from 2 submitters: Uncertain significance (2). Last evaluated 2024-10-25.

Allele frequency attached by ClinVar (database versions not stated): gnomAD exomes 0.00001 and 0.00002; ExAC 0.00002; gnomAD 0.00014 and 0.00015; TOPMed 0.00019; ESP Exome Variant Server 0.00023.
gnomAD v4.1: 37 of 1,614,062 alleles (0.0023%); highest among the groups gnomAD compares: African/African-American, 0.043%; no homozygotes.

Submissions (2):

Labcorp Genetics (formerly Invitae), Labcorp
Classification: Uncertain significance. Last evaluated: 2024-10-25. Review status: criteria provided, single submitter. Criteria: Invitae Variant Classification Sherloc (09022015). Collection method: clinical testing. Allele origin: germline.
Comment: This sequence change replaces tryptophan, which is neutral and slightly polar, with glycine, which is neutral and non-polar, at codon 496 of the AHR protein (p.Trp496Gly). This variant is present in population databases (rs374994764, gnomAD 0.02%). This variant has not been reported in the literature in individuals affected with AHR-related conditions. ClinVar contains an entry for this variant (Variation ID: 1061316). An algorithm developed to predict the effect of missense changes on protein structure and function (PolyPhen-2) suggests that this variant is likely to be tolerated. In summary, the available evidence is currently insufficient to determine the role of this variant in disease. Therefore, it has been classified as a Variant of Uncertain Significance.

Ambry Genetics
Classification: Uncertain significance. Last evaluated: 2024-06-28. Review status: criteria provided, single submitter. Criteria: Ambry Variant Classification Scheme 2023. Collection method: clinical testing. Allele origin: germline.

NM_001621.5(AHR):c.1486T>G (p.Trp496Gly)

Gene: AHR (aryl hydrocarbon receptor; plus strand). Cytogenetic location: 7p21.1.
Variant type: single nucleotide variant.
Coding change: c.1486T>G on transcript NM_001621.5 (MANE Select); coding-DNA position 1486, T replaced by G.
Protein change: p.Trp496Gly; replaces tryptophan 496 with glycine.
Molecular consequence: missense variant.
Genome position (GRCh38, 1-based): chr7:17,339,311, T>G. VCF-style: chr7-17339311-T-G. GRCh37 (hg19) VCF-style: chr7-17378935-T-G.
Other names: c.1486T>G (NM_001621.4); short protein forms W496G.
Identifiers: ClinVar variation 1061316 (VCV001061316.9), dbSNP rs374994764, ClinGen allele CA4172128.